The following is an entry in ClinVar:

NM_000548.5(TSC2):c.3702C>T (p.Ala1234=)

Gene: TSC2 (TSC complex subunit 2; plus strand). Cytogenetic location: 16p13.3.
Variant type: single nucleotide variant.
Coding change: c.3702C>T on transcript NM_000548.5 (MANE Select); coding-DNA position 3702, C replaced by T.
Protein change: p.Ala1234=; no amino-acid change (alanine 1234 retained).
Molecular consequence: synonymous variant.
Genome position (GRCh38, 1-based): chr16:2,081,686, C>T. VCF-style: chr16-2081686-C-T. GRCh37 (hg19) VCF-style: chr16-2131687-C-T.
Other names: c.3570C>T, p.Ala1190= (NM_001077183.3, NM_001370404.1); c.3702C>T, p.Ala1234= (NM_001114382.3); c.3462C>T, p.Ala1154= (NM_001318827.2); c.3426C>T, p.Ala1142= (NM_001318829.2); c.2970C>T, p.Ala990= (NM_001318831.2); c.3603C>T, p.Ala1201= (NM_001318832.2); c.3573C>T, p.Ala1191= (NM_001363528.2, NM_001370405.1, NM_021055.3).
Identifiers: ClinVar variation 1091199 (VCV001091199.12), dbSNP rs760755935, ClinGen allele CA048105.

ClinVar aggregate classification (germline): Benign/Likely benign. Review status: criteria provided, multiple submitters, no conflicts (2 of 4 stars). 3 submissions from 3 submitters: Benign (1); Likely benign (2). Last evaluated 2025-08-29.

Conditions:
Hereditary cancer-predisposing syndrome. Also called: Tumor predisposition; Neoplastic Syndromes, Hereditary; Hereditary Cancer Syndrome; Hereditary neoplastic syndrome. Identifiers: Orphanet 140162, MedGen C0027672, MeSH D009386, MONDO:0015356.
Tuberous sclerosis 2 (TSC2). Identifiers: Orphanet 805, MedGen C1860707, MONDO:0013199, OMIM 613254.

Allele frequency attached by ClinVar (database versions not stated): gnomAD exomes 0.00001 and 0.00002; ExAC 0.00002.
gnomAD v4.1: 9 of 1,613,010 alleles (0.00056%); highest among the groups gnomAD compares: South Asian, 0.0088%; no homozygotes.

Submissions (3):

Labcorp Genetics (formerly Invitae), Labcorp
Classification: Likely benign for Tuberous sclerosis 2. Last evaluated: 2025-08-29. Review status: criteria provided, single submitter. Criteria: Invitae Variant Classification Sherloc (09022015). Collection method: clinical testing. Allele origin: germline.

Myriad Genetics, Inc.
Classification: Benign for Tuberous sclerosis 2. Last evaluated: 2025-05-30. Review status: criteria provided, single submitter. Criteria: Myriad Autosomal Dominant, Autosomal Recessive and X-Linked Classification Criteria (2023). Collection method: clinical testing. Allele origin: unknown.
Comment: This variant is considered benign. This variant is a silent/synonymous amino acid change and it is not expected to impact splicing.

Ambry Genetics
Classification: Likely benign for Hereditary cancer-predisposing syndrome. Last evaluated: 2020-09-23. Review status: criteria provided, single submitter. Criteria: Ambry Variant Classification Scheme 2023. Collection method: clinical testing. Allele origin: germline.